The following is an entry in ClinVar:

NM_001231.5(CASQ1):c.610T>A (p.Phe204Ile)

Gene: CASQ1 (calsequestrin 1; plus strand). Cytogenetic location: 1q23.2.
Variant type: single nucleotide variant.
Coding change: c.610T>A on transcript NM_001231.5 (MANE Select); coding-DNA position 610, T replaced by A.
Protein change: p.Phe204Ile; replaces phenylalanine 204 with isoleucine.
Molecular consequence: missense variant.
Genome position (GRCh38, 1-based): chr1:160,195,493, T>A. VCF-style: chr1-160195493-T-A. GRCh37 (hg19) VCF-style: chr1-160165283-T-A.
Other names: short protein forms F204I.
Identifiers: ClinVar variation 1351274 (VCV001351274.8), dbSNP rs1654198438, ClinGen allele CA343257546.

ClinVar aggregate classification (germline): Uncertain significance (1 of 4 stars; one submission).

Allele frequency attached by ClinVar (database versions not stated): gnomAD 0.00001.

Submission:

Labcorp Genetics (formerly Invitae), Labcorp
Classification: Uncertain significance. Last evaluated: 2021-05-04. Review status: criteria provided, single submitter. Criteria: Invitae Variant Classification Sherloc (09022015). Collection method: clinical testing. Allele origin: germline.
Comment: In summary, the available evidence is currently insufficient to determine the role of this variant in disease. Therefore, it has been classified as a Variant of Uncertain Significance. Algorithms developed to predict the effect of missense changes on protein structure and function are either unavailable or do not agree on the potential impact of this missense change (SIFT: "Deleterious"; PolyPhen-2: "Probably Damaging"; Align-GVGD: "Class C15"). This variant has not been reported in the literature in individuals with CASQ1-related conditions. This variant is not present in population databases (ExAC no frequency). This sequence change replaces phenylalanine with isoleucine at codon 204 of the CASQ1 protein (p.Phe204Ile). The phenylalanine residue is highly conserved and there is a small physicochemical difference between phenylalanine and isoleucine.